The following is an entry in ClinVar:

NM_007294.4(BRCA1):c.5152+19C>T

Gene: BRCA1 (BRCA1 DNA repair associated; minus strand). Cytogenetic location: 17q21.31.
Variant type: single nucleotide variant.
Coding change: c.5152+19C>T on transcript NM_007294.4 (MANE Select); 19 bases into the intron after coding-DNA position 5152, C replaced by T.
Molecular consequence: intron variant.
Genome position (GRCh38, 1-based): chr17:43,063,855, G>A on the plus strand (C>T on the coding strand, the complement: BRCA1 is on the minus strand). VCF-style: chr17-43063855-G-A. GRCh37 (hg19) VCF-style: chr17-41215872-G-A.
Other names: c.1699+19C>T (NM_001408458.1, NM_001408461.1, NM_001408464.1 and 7 more transcripts); c.4261+19C>T (NM_001407967.1); c.4771+19C>T (NM_001407959.1); c.4885+19C>T (NM_001407931.1, NM_001407932.1, NM_001407928.1 and 4 more transcripts); c.5008+19C>T (NM_001407747.1, NM_001407745.1, NM_001407737.1 and 21 more transcripts); c.4768+19C>T (NM_001407962.1, NM_001407960.1); c.1339+19C>T (NM_001408512.1); c.1462+19C>T (NM_001408510.1); and 73 more.
Identifiers: ClinVar variation 385942 (VCV000385942.2), dbSNP rs1057522377, ClinGen allele CA16607255.

ClinVar aggregate classification (germline): Likely benign (1 of 4 stars; one submission).

Submission:

GeneDx
Classification: Likely benign. Last evaluated: 2017-01-17. Review status: criteria provided, single submitter. Criteria: GeneDx Variant Classification (06012015). Collection method: clinical testing. Allele origin: germline. Affected: yes.
Comment: This variant is considered likely benign or benign based on one or more of the following criteria: it is a conservative change, it occurs at a poorly conserved position in the protein, it is predicted to be benign by multiple in silico algorithms, and/or has population frequency not consistent with disease.